The following is an entry in ClinVar:

ClinVar aggregate classification (germline): Uncertain significance (1 of 4 stars; one submission).

Conditions:
Wilson disease (WND). Also called: Wilson's disease. Identifiers: Orphanet 905, MedGen C0019202, MONDO:0010200, OMIM 277900. Disease mechanism: loss of function.

Allele frequency attached by ClinVar (database versions not stated): TOPMed 0.00001; ExAC 0.00002.
gnomAD v4.1: 3 of 1,614,226 alleles (0.00019%); highest among the groups gnomAD compares: Admixed American, 0.005%; no homozygotes.

Submission:

Johns Hopkins Genomics, Johns Hopkins University
Classification: Uncertain significance for Wilson disease. Last evaluated: 2023-05-19. Review status: criteria provided, single submitter. Criteria: ACMG Guidelines, 2015. Collection method: clinical testing. Allele origin: germline.
Comment: This ATP7B missense variant (rs895442917) is rare (<0.1%) in a large population dataset (gnomAD v2.1.1: 3/249580 total alleles; 0.001%; no homozygotes). It has not been reported in ClinVar, nor the literature, to our knowledge. Of two bioinformatics tools queried, one predicts that the substitution would be damaging, while the other predicts that it would be tolerated. The asparagine residue at this position is evolutionarily conserved across many of the species assessed. We consider the clinical significance of c.3323A>C;p.Asn1108Thr in ATP7B to be uncertain at this time.

Literature cited by the submitters: PubMed 16567646; PubMed 21189263.

NM_000053.4(ATP7B):c.3323A>C (p.Asn1108Thr)

Gene: ATP7B (ATPase copper transporting beta; minus strand). Cytogenetic location: 13q14.3.
Variant type: single nucleotide variant.
Coding change: c.3323A>C on transcript NM_000053.4 (MANE Select); coding-DNA position 3323, A replaced by C.
Protein change: p.Asn1108Thr; replaces asparagine 1108 with threonine.
Molecular consequence: missense variant.
Genome position (GRCh38, 1-based): chr13:51,942,475, T>G on the plus strand (A>C on the coding strand, the complement: ATP7B is on the minus strand). VCF-style: chr13-51942475-T-G. GRCh37 (hg19) VCF-style: chr13-52516611-T-G.
Other names: c.2702A>C, p.Asn901Thr (NM_001005918.3); c.2990A>C, p.Asn997Thr (NM_001243182.2); c.3089A>C, p.Asn1030Thr (NM_001330578.2, NM_001406527.1, NM_001406528.1 and 1 more transcripts); c.3071A>C, p.Asn1024Thr (NM_001330579.2, NM_001406531.1, NM_001406532.1); c.3323A>C, p.Asn1108Thr (NM_001406511.1, NM_001406512.1, NM_001406526.1); c.3317A>C, p.Asn1106Thr (NM_001406513.1); c.3290A>C, p.Asn1097Thr (NM_001406514.1); c.3269A>C, p.Asn1090Thr (NM_001406515.1, NM_001406516.1); and 19 more; short protein forms N1012T, N1024T, N1028T, N1030T, N1043T, N1047T, N1049T, N1060T.
Identifiers: ClinVar variation 2575235 (VCV002575235.2), dbSNP rs895442917, ClinGen allele CA6988738.